The following is an entry in ClinVar:

NM_003482.4(KMT2D):c.15907C>T (p.Arg5303Cys)

Gene: KMT2D (lysine methyltransferase 2D; minus strand). Cytogenetic location: 12q13.12.
Variant type: single nucleotide variant.
Coding change: c.15907C>T on transcript NM_003482.4 (MANE Select); coding-DNA position 15907, C replaced by T.
Protein change: p.Arg5303Cys; replaces arginine 5303 with cysteine.
Molecular consequence: missense variant.
Genome position (GRCh38, 1-based): chr12:49,024,824, G>A on the plus strand (C>T on the coding strand, the complement: KMT2D is on the minus strand). VCF-style: chr12-49024824-G-A. GRCh37 (hg19) VCF-style: chr12-49418607-G-A.
Other names: short protein forms R5303C.
Identifiers: ClinVar variation 2732923 (VCV002732923.5), dbSNP rs980258889, ClinGen allele CA236631455.

ClinVar aggregate classification (germline): Likely benign. Review status: criteria provided, single submitter (1 of 4 stars). 2 submissions from 2 submitters: Likely benign (1). 1 of the submissions does not count toward it. Last evaluated 2023-08-28.

Conditions:
KMT2D-related disorder. Also called: KMT2D-Related Disorders.
Kabuki syndrome. Also called: Kabuki make-up syndrome; NIIKAWA-KUROKI SYNDROME. Identifiers: Orphanet 2322, MedGen C0796004, MONDO:0016512.

Allele frequency attached by ClinVar (database versions not stated): gnomAD exomes 0.00001; gnomAD 0.00003; TOPMed 0.00003.
gnomAD v4.1: 23 of 1,612,808 alleles (0.0014%); highest among the groups gnomAD compares: Non-Finnish European, 0.0019%; no homozygotes.

Submissions (2):

Labcorp Genetics (formerly Invitae), Labcorp
Classification: Likely benign for Kabuki syndrome. Last evaluated: 2023-08-28. Review status: criteria provided, single submitter. Criteria: Invitae Variant Classification Sherloc (09022015). Collection method: clinical testing. Allele origin: germline.

PreventionGenetics, part of Exact Sciences
Classification: Likely benign for KMT2D-related condition. Last evaluated: 2023-11-22. Review status: no assertion criteria provided. Collection method: clinical testing. Allele origin: germline. Not counted in ClinVar's aggregate classification.
Comment: This variant is classified as likely benign based on ACMG/AMP sequence variant interpretation guidelines (Richards et al. 2015 PMID: 25741868, with internal and published modifications).